The following is an entry in ClinVar:

ClinVar aggregate classification (germline): Uncertain significance (1 of 4 stars; one submission).

Submission:

Athena Diagnostics
Classification: Uncertain significance. Last evaluated: 2025-11-01. Review status: criteria provided, single submitter. Criteria: Athena Diagnostics Criteria. Collection method: clinical testing. Allele origin: unknown.
Comment: Available data are insufficient to determine the clinical significance of the variant at this time. This variant has not been reported in large, multi-ethnic general populations. Polyphen and MutationTaster predict this amino acid change may be damaging to the protein.

NM_032409.3(PINK1):c.1145T>G (p.Ile382Ser)

Genes: PINK1 (PTEN induced kinase 1; plus strand), PINK1-AS (PINK1 antisense RNA; minus strand). Cytogenetic location: 1p36.12.
Variant type: single nucleotide variant.
Coding change: c.1145T>G on transcript NM_032409.3 (MANE Select); coding-DNA position 1145, T replaced by G.
Protein change: p.Ile382Ser; replaces isoleucine 382 with serine.
Molecular consequence: missense variant. On other transcripts: non-coding transcript variant (1).
Genome position (GRCh38, 1-based): chr1:20,648,526, T>G. VCF-style: chr1-20648526-T-G. GRCh37 (hg19) VCF-style: chr1-20975019-T-G.
Other names: short protein forms I382S.
Identifiers: ClinVar variation 4682205 (VCV004682205.1).